The following is an entry in ClinVar:

NM_024675.4(PALB2):c.250A>G (p.Ile84Val)

Gene: PALB2 (partner and localizer of BRCA2; minus strand). Cytogenetic location: 16p12.2.
Variant type: single nucleotide variant.
Coding change: c.250A>G on transcript NM_024675.4 (MANE Select); coding-DNA position 250, A replaced by G.
Protein change: p.Ile84Val; replaces isoleucine 84 with valine.
Molecular consequence: missense variant. On other transcripts: 5 prime UTR variant (8), intron variant (3).
Genome position (GRCh38, 1-based): chr16:23,636,296, T>C on the plus strand (A>G on the coding strand, the complement: PALB2 is on the minus strand). VCF-style: chr16-23636296-T-C. GRCh37 (hg19) VCF-style: chr16-23647617-T-C.
Other names: c.190A>G, p.Ile64Val (NM_001407296.1); c.250A>G, p.Ile84Val (NM_001407297.1, NM_001407298.1, NM_001407299.1 and 3 more transcripts); c.-636A>G (NM_001407304.1, NM_001407305.1, NM_001407306.1 and 5 more transcripts); c.48+4814A>G (NM_001407314.1); c.-105+4814A>G (NM_001407313.1, NM_001407312.1); short protein forms I64V, I84V.
Identifiers: ClinVar variation 2567580 (VCV002567580.5), dbSNP rs2142447670, ClinGen allele CA395138907.

ClinVar aggregate classification (germline): Uncertain significance. Review status: criteria provided, multiple submitters, no conflicts (2 of 4 stars). 2 submissions from 2 submitters: Uncertain significance (2). Last evaluated 2024-05-13.

Conditions:
Hereditary cancer-predisposing syndrome. Also called: Hereditary neoplastic syndrome; Hereditary Cancer Syndrome; Neoplastic Syndromes, Hereditary; Tumor predisposition. Identifiers: Orphanet 140162, MedGen C0027672, MeSH D009386, MONDO:0015356.
Familial cancer of breast. Also called: hereditary breast carcinoma; Hereditary breast cancer; BREAST CANCER, FAMILIAL. Identifiers: Orphanet 227535, MedGen C0346153, MONDO:0016419, OMIM 114480. Disease mechanism: loss of function.

Submissions (2):

Labcorp Genetics (formerly Invitae), Labcorp
Classification: Uncertain significance for Familial cancer of breast. Last evaluated: 2024-05-13. Review status: criteria provided, single submitter. Criteria: Invitae Variant Classification Sherloc (09022015). Collection method: clinical testing. Allele origin: germline.
Comment: This sequence change replaces isoleucine, which is neutral and non-polar, with valine, which is neutral and non-polar, at codon 84 of the PALB2 protein (p.Ile84Val). This variant is not present in population databases (gnomAD no frequency). This variant has not been reported in the literature in individuals affected with PALB2-related conditions. ClinVar contains an entry for this variant (Variation ID: 2567580). An algorithm developed to predict the effect of missense changes on protein structure and function (PolyPhen-2) suggests that this variant is likely to be disruptive. In summary, the available evidence is currently insufficient to determine the role of this variant in disease. Therefore, it has been classified as a Variant of Uncertain Significance.

Ambry Genetics
Classification: Uncertain significance for Hereditary cancer-predisposing syndrome. Last evaluated: 2023-04-25. Review status: criteria provided, single submitter. Criteria: Ambry Variant Classification Scheme 2023. Collection method: clinical testing. Allele origin: germline.
Comment: The p.I84V variant (also known as c.250A>G), located in coding exon 4 of the PALB2 gene, results from an A to G substitution at nucleotide position 250. The isoleucine at codon 84 is replaced by valine, an amino acid with highly similar properties. This amino acid position is conserved. In addition, this alteration is predicted to be tolerated by in silico analysis. Since supporting evidence is limited at this time, the clinical significance of this alteration remains unclear.